The following is an entry in ClinVar:

NM_015102.5(NPHP4):c.3335G>A (p.Gly1112Asp)

Gene: NPHP4 (nephrocystin 4; minus strand). Cytogenetic location: 1p36.31.
Variant type: single nucleotide variant.
Coding change: c.3335G>A on transcript NM_015102.5 (MANE Select); coding-DNA position 3335, G replaced by A.
Protein change: p.Gly1112Asp; replaces glycine 1112 with aspartic acid.
Molecular consequence: missense variant. On other transcripts: non-coding transcript variant (1).
Genome position (GRCh38, 1-based): chr1:5,867,877, C>T on the plus strand (G>A on the coding strand, the complement: NPHP4 is on the minus strand). VCF-style: chr1-5867877-C-T. GRCh37 (hg19) VCF-style: chr1-5927937-C-T.
Other names: c.1796G>A, p.Gly599Asp (NM_001291593.2); c.1799G>A, p.Gly600Asp (NM_001291594.2); c.3335G>A (NM_015102.3); short protein forms G1112D, G599D, G600D.
Identifiers: ClinVar variation 1443636 (VCV001443636.5), dbSNP rs755637892, ClinGen allele CA553652.

ClinVar aggregate classification (germline): Uncertain significance. Review status: criteria provided, multiple submitters, no conflicts (2 of 4 stars). 3 submissions from 3 submitters: Uncertain significance (3). Last evaluated 2022-12-15.

Conditions:
Inborn genetic diseases. Identifiers: MedGen C0950123, MeSH D030342.
Senior-Loken syndrome 4 (SLSN4). Identifiers: Orphanet 3156, MedGen C1846979, MONDO:0011756, OMIM 606996.
Nephronophthisis 4 (NPHP4). Also called: NEPHRONOPHTHISIS 4, JUVENILE. Identifiers: Orphanet 655, MedGen C1847013, MONDO:0011752, OMIM 606966.
Nephronophthisis. Also called: Juvenile Nephronophthisis. Identifiers: Orphanet 655, MedGen C0687120, MONDO:0019005, HP:0000090.

Allele frequency attached by ClinVar (database versions not stated): ExAC 0.00001; TOPMed 0.00001; gnomAD 0.00002; gnomAD exomes 0.00002.
gnomAD v4.1: 32 of 1,613,820 alleles (0.002%); highest among the groups gnomAD compares: Non-Finnish European, 0.0025%; no homozygotes.

Submissions (3):

Ambry Genetics
Classification: Uncertain significance for Inborn genetic diseases. Last evaluated: 2022-12-15. Review status: criteria provided, single submitter. Criteria: Ambry Variant Classification Scheme 2023. Collection method: clinical testing. Allele origin: germline.

Fulgent Genetics
Classification: Uncertain significance for Nephronophthisis 4; Senior-Loken syndrome 4. Last evaluated: 2021-12-16. Review status: criteria provided, single submitter. Criteria: ACMG Guidelines, 2015. Collection method: clinical testing. Allele origin: unknown.

Labcorp Genetics (formerly Invitae), Labcorp
Classification: Uncertain significance for Nephronophthisis. Last evaluated: 2021-09-18. Review status: criteria provided, single submitter. Criteria: Invitae Variant Classification Sherloc (09022015). Collection method: clinical testing. Allele origin: germline.
Comment: This sequence change replaces glycine with aspartic acid at codon 1112 of the NPHP4 protein (p.Gly1112Asp). The glycine residue is moderately conserved and there is a moderate physicochemical difference between glycine and aspartic acid. This variant is present in population databases (rs755637892, ExAC 0.002%). This variant has not been reported in the literature in individuals affected with NPHP4-related conditions. Algorithms developed to predict the effect of missense changes on protein structure and function output the following: SIFT: "Tolerated"; PolyPhen-2: "Benign"; Align-GVGD: "Class C0". The aspartic acid amino acid residue is found in multiple mammalian species, which suggests that this missense change does not adversely affect protein function. In summary, the available evidence is currently insufficient to determine the role of this variant in disease. Therefore, it has been classified as a Variant of Uncertain Significance.